The following is an entry in ClinVar:

NM_002618.4(PEX13):c.86C>A (p.Thr29Asn)

Genes: PEX13 (peroxisomal biogenesis factor 13; plus strand), PUS10 (pseudouridine synthase 10; minus strand). Cytogenetic location: 2p15.
Variant type: single nucleotide variant.
Coding change: c.86C>A on transcript NM_002618.4 (MANE Select); coding-DNA position 86, C replaced by A.
Protein change: p.Thr29Asn; replaces threonine 29 with asparagine.
Molecular consequence: missense variant. On other transcripts: intron variant (2).
Genome position (GRCh38, 1-based): chr2:61,017,845, C>A. VCF-style: chr2-61017845-C-A. GRCh37 (hg19) VCF-style: chr2-61244980-C-A.
Other names: c.-16+163G>T (NM_144709.4); c.-623+163G>T (NM_001322127.1); short protein forms T29N.
Identifiers: ClinVar variation 1356404 (VCV001356404.8), dbSNP rs543856265, ClinGen allele CA346937306.
Genomic context (GRCh38, chr2:61,017,845, plus strand): 5'-CCAAACCCTGGGAGACCCGCCGAATTCCGGGAGCCGGACCGGGACCAGGACCGGGCCCCA[C>A]TTTCCAGTGAGTGTGGGATTCTTCAGGCTGTGAGTTTAGTGGGCCCGAGCGGGGACTTGG-3'
Protein context (NP_002609.1, residues 19-39): GAGPGPGPGP[Thr29Asn]FQSADLGPTL

ClinVar aggregate classification (germline): Uncertain significance (1 of 4 stars; one submission).

Conditions:
Peroxisome biogenesis disorder 11A (Zellweger). Also called: Peroxisome biogenesis disorder 11A. Identifiers: Orphanet 912, MedGen C3554000, MONDO:0013949, OMIM 614883.

Submission:

Labcorp Genetics (formerly Invitae), Labcorp
Classification: Uncertain significance for Peroxisome biogenesis disorder 11A (Zellweger). Last evaluated: 2020-12-14. Review status: criteria provided, single submitter. Criteria: Invitae Variant Classification Sherloc (09022015). Collection method: clinical testing. Allele origin: germline.
Comment: In summary, the available evidence is currently insufficient to determine the role of this variant in disease. Therefore, it has been classified as a Variant of Uncertain Significance. Algorithms developed to predict the effect of missense changes on protein structure and function (SIFT, PolyPhen-2, Align-GVGD) all suggest that this variant is likely to be tolerated, but these predictions have not been confirmed by published functional studies and their clinical significance is uncertain. This variant has not been reported in the literature in individuals with PEX13-related conditions. The frequency data for this variant in the population databases is considered unreliable, as metrics indicate insufficient coverage at this position in the ExAC database. This sequence change replaces threonine with asparagine at codon 29 of the PEX13 protein (p.Thr29Asn). The threonine residue is weakly conserved and there is a small physicochemical difference between threonine and asparagine.